The following is an entry in ClinVar:

NM_174934.4(SCN4B):c.61+1G>A

Gene: SCN4B (sodium voltage-gated channel beta subunit 4; minus strand). Cytogenetic location: 11q23.3.
Variant type: single nucleotide variant.
Coding change: c.61+1G>A on transcript NM_174934.4 (MANE Select); the canonical splice donor site of the intron after coding-DNA position 61, G replaced by A.
Molecular consequence: splice donor variant.
Genome position (GRCh38, 1-based): chr11:118,152,612, C>T on the plus strand (G>A on the coding strand, the complement: SCN4B is on the minus strand). VCF-style: chr11-118152612-C-T. GRCh37 (hg19) VCF-style: chr11-118023327-C-T.
Other names: c.61+1G>A (NM_001142348.2).
Identifiers: ClinVar variation 692252 (VCV000692252.9), dbSNP rs377558816, ClinGen allele CA6300345.

ClinVar aggregate classification (germline): Uncertain significance. Review status: criteria provided, multiple submitters, no conflicts (2 of 4 stars). 2 submissions from 2 submitters: Uncertain significance (2). Last evaluated 2021-01-16.

Conditions:
Long QT syndrome 10 (LQT10). Identifiers: Orphanet 101016, Orphanet 768, MedGen C2678484, MONDO:0012737, OMIM 611819.

Allele frequency attached by ClinVar (database versions not stated): gnomAD exomes below 0.00001; TOPMed below 0.00001; gnomAD 0.00001; ExAC 0.00002; ESP Exome Variant Server 0.00015.
gnomAD v4.1: 3 of 1,612,408 alleles (0.00019%); highest among the groups gnomAD compares: South Asian, 0.0011%; no homozygotes.

Submissions (2):

Labcorp Genetics (formerly Invitae), Labcorp
Classification: Uncertain significance for Long QT syndrome 10. Last evaluated: 2021-01-16. Review status: criteria provided, single submitter. Criteria: Invitae Variant Classification Sherloc (09022015). Collection method: clinical testing. Allele origin: germline.
Comment: This variant has not been reported in the literature in individuals with SCN4B-related conditions. ClinVar contains an entry for this variant (Variation ID: 692252). This variant is present in population databases (rs377558816, ExAC 0.003%). This sequence change affects a donor splice site in intron 1 of the SCN4B gene. It is expected to disrupt RNA splicing. Variants that disrupt the donor or acceptor splice site typically lead to a loss of protein function (PMID: 16199547), however the current clinical and genetic evidence is not sufficient to establish whether loss-of-function variants in SCN4B cause disease. Algorithms developed to predict the effect of sequence changes on RNA splicing suggest that this variant may disrupt the consensus splice site, but this prediction has not been confirmed by published transcriptional studies. In summary, the available evidence is currently insufficient to determine the role of this variant in disease. Therefore, it has been classified as a Variant of Uncertain Significance.

MVZ Martinsried, Medicover Genetics
Classification: Uncertain significance for Long QT syndrome 10. Last evaluated: 2019-04-17. Review status: criteria provided, single submitter. Criteria: ACMG Guidelines, 2015. Collection method: clinical testing. Allele origin: unknown. Affected: yes.

Literature cited by the submitters: PubMed 16199547 (cited by Labcorp Genetics (formerly Invitae), Labcorp).